The following is an entry in ClinVar:

NM_000088.4(COL1A1):c.2151_2154dup (p.Gly719fs)

Gene: COL1A1 (collagen type I alpha 1 chain; minus strand). Cytogenetic location: 17q21.33.
Variant type: Duplication.
Coding change: c.2151_2154dup on transcript NM_000088.4 (MANE Select); coding-DNA positions 2151 to 2154, 4 bases duplicated (TCCC; older notation c.2151_2154dupTCCC).
Protein change: p.Gly719fs; shifts the reading frame from glycine 719.
Molecular consequence: frameshift variant.
Genome position (GRCh38, 1-based): chr17:50,191,464-50,191,467, GGGA duplicated on the plus strand (TCCC on the coding strand, the reverse complement: COL1A1 is on the minus strand); duplicating any 4 consecutive bases within chr17:50,191,464-50,191,468 gives the same sequence; the c. name uses the placement nearest the transcript's 3' end. VCF-style (leftmost placement, unchanged base first): chr17-50191463-C-CGGGA. GRCh37 (hg19) VCF-style: chr17-48268824-C-CGGGA.
Other names: short protein forms G719fs.
Identifiers: ClinVar variation 1398506 (VCV001398506.6), dbSNP rs2144558735, ClinGen allele CA2573154250.

ClinVar aggregate classification (germline): Pathogenic (1 of 4 stars; one submission).

Conditions:
Osteogenesis imperfecta type I (OI1). Also called: Lobstein disease; Classic Non-deforming Osteogenesis Imperfecta with Blue Sclerae; OI, TYPE I; OSTEOGENESIS IMPERFECTA TARDA; OSTEOGENESIS IMPERFECTA WITH BLUE SCLERAE; Osteogenesis imperfecta type 1. Identifiers: Orphanet 216796, Orphanet 666, MedGen C0023931, MONDO:0008146, OMIM 166200. Disease mechanism: loss of function.

Submission:

Labcorp Genetics (formerly Invitae), Labcorp
Classification: Pathogenic for Osteogenesis imperfecta type I. Last evaluated: 2021-04-06. Review status: criteria provided, single submitter. Criteria: Invitae Variant Classification Sherloc (09022015). Collection method: clinical testing. Allele origin: germline.
Comment: This sequence change creates a premature translational stop signal (p.Gly719Serfs*3) in the COL1A1 gene. It is expected to result in an absent or disrupted protein product. Loss-of-function variants in COL1A1 are known to be pathogenic (PMID: 7942841, 9295084, 9443882). For these reasons, this variant has been classified as Pathogenic. This variant has not been reported in the literature in individuals with COL1A1-related conditions. This variant is not present in population databases (ExAC no frequency).

Literature cited by the submitters: PubMed 7942841; PubMed 9295084; PubMed 9443882.